The following is an entry in ClinVar:

NM_001385682.1(MAP4):c.111T>C (p.Val37=)

Gene: MAP4 (microtubule associated protein 4; minus strand). Cytogenetic location: 3p21.31.
Variant type: single nucleotide variant.
Coding change: c.111T>C on transcript NM_001385682.1 (MANE Select); coding-DNA position 111, T replaced by C.
Protein change: p.Val37=; no amino-acid change (valine 37 retained).
Molecular consequence: synonymous variant. On other transcripts: intron variant (4).
Genome position (GRCh38, 1-based): chr3:47,998,750, A>G on the plus strand (T>C on the coding strand, the complement: MAP4 is on the minus strand). VCF-style: chr3-47998750-A-G. GRCh37 (hg19) VCF-style: chr3-48040240-A-G.
Other names: c.111T>C, p.Val37= (NM_001134364.2, NM_001384675.1, NM_001384676.1 and 136 more transcripts); c.-98-20817T>C (NM_001384862.1, NM_001384845.1, NM_001384867.1 and 1 more transcripts).
Identifiers: ClinVar variation 778072 (VCV000778072.6), dbSNP rs148194575, ClinGen allele CA2371772.

ClinVar aggregate classification (germline): Benign. Review status: criteria provided, multiple submitters, no conflicts (2 of 4 stars). 3 submissions from 3 submitters: Benign (2). 1 of the submissions does not count toward it. Last evaluated 2017-05-30.

Conditions:
MAP4-related disorder. Also called: MAP4-related condition.

Allele frequency attached by ClinVar (database versions not stated): gnomAD exomes 0.00031 and 0.00081; ExAC 0.00089; 1000 Genomes Project 0.00220; gnomAD 0.00243 and 0.00260; TOPMed 0.00270; 1000 Genomes Project 30x 0.00281; ESP Exome Variant Server 0.00292.
gnomAD v4.1: 836 of 1,614,028 alleles (0.052%); highest among the groups gnomAD compares: African/African-American, 0.79%; 7 homozygotes.

Submissions (3):

Labcorp Genetics (formerly Invitae), Labcorp
Classification: Benign. Last evaluated: 2017-05-30. Review status: criteria provided, single submitter. Criteria: Invitae Variant Classification Sherloc (09022015). Collection method: clinical testing. Allele origin: germline.

Breakthrough Genomics
Classification: Benign. Review status: criteria provided, single submitter. Criteria: ACMG Guidelines, 2015. Collection method: not provided. Allele origin: germline. Inheritance: Unknown mechanism. Affected: yes.

PreventionGenetics, part of Exact Sciences
Classification: Likely benign for MAP4-related condition. Last evaluated: 2019-02-18. Review status: no assertion criteria provided. Collection method: clinical testing. Allele origin: germline. Not counted in ClinVar's aggregate classification.
Comment: This variant is classified as likely benign based on ACMG/AMP sequence variant interpretation guidelines (Richards et al. 2015 PMID: 25741868, with internal and published modifications).